The following is an entry in ClinVar:

NM_000404.4(GLB1):c.1347+1G>T

Gene: GLB1 (galactosidase beta 1; minus strand). Cytogenetic location: 3p22.3.
Variant type: single nucleotide variant.
Coding change: c.1347+1G>T on transcript NM_000404.4 (MANE Select); the canonical splice donor site of the intron after coding-DNA position 1347, G replaced by T.
Molecular consequence: splice donor variant.
Genome position (GRCh38, 1-based): chr3:33,018,447, C>A on the plus strand (G>T on the coding strand, the complement: GLB1 is on the minus strand). VCF-style: chr3-33018447-C-A. GRCh37 (hg19) VCF-style: chr3-33059939-C-A.
Other names: c.1347+1G>T (NM_001393580.1); c.954+1G>T (NM_001135602.3); c.1491+1G>T (NM_001317040.2); c.1257+1G>T (NM_001079811.3).
Identifiers: ClinVar variation 1943565 (VCV001943565.6), dbSNP rs757256051, ClinGen allele CA351991880.
Genomic context (GRCh38, chr3:33,018,447, plus strand): 5'-TGCAGGCTGCTCATCCCCACCCTCACTGGGACAAAACGCACAGTTCAGAGACGATTCTTA[C>A]CCCATCCACAGCAACATATGCTCGATCGTGGACTCCATTGAGGGGTGAAGAGAGAGGTGC-3'

ClinVar aggregate classification (germline): Likely pathogenic. Review status: criteria provided, multiple submitters, no conflicts (2 of 4 stars). 2 submissions from 2 submitters: Likely pathogenic (2). Last evaluated 2024-02-27.

Conditions:
GM1 gangliosidosis. Identifiers: Orphanet 354, MedGen C0085131, MONDO:0018149.
Mucopolysaccharidosis, MPS-IV-B (MPS4B). Also called: Mucopolysaccharidosis type IV B; Mucopolysaccharidosis type 4B; MORQUIO SYNDROME B; Mucopolysaccharidosis type IVB (Morquio); MPS IVB; Mucopolysaccharidosis Type IVB. Identifiers: Orphanet 309310, Orphanet 582, MedGen C0086652, MONDO:0009660, OMIM 253010.
Infantile GM1 gangliosidosis. Also called: Gangliosidosis, Generalized GM1, Type 1; GM1 gangliosidosis type 1; GM1-gangliosidosis, type I; Gangliosidosis, generalized GM1, infantile form; GLB1 deficiency. Identifiers: Orphanet 354, Orphanet 79255, MedGen C0268271, MONDO:0009260, OMIM 230500.
GM1 gangliosidosis type 3. Also called: Gangliosidosis, Generalized GM1, Type 3; GM1-GANGLIOSIDOSIS, TYPE III; GANGLIOSIDOSIS, GENERALIZED GM1, ADULT TYPE; GANGLIOSIDOSIS, GENERALIZED GM1, CHRONIC TYPE; GANGLIOSIDOSIS, GENERALIZED GM1, TYPE III; Beta-galactosidase deficiency. Identifiers: Orphanet 79257, MedGen C0268273, MONDO:0009262, OMIM 230650.
GM1 gangliosidosis type 2. Also called: Gangliosidosis, Generalized GM1, Type 2; GM1-GANGLIOSIDOSIS, TYPE II; GANGLIOSIDOSIS, GENERALIZED GM1, JUVENILE TYPE; GANGLIOSIDOSIS, GENERALIZED GM1, TYPE II; Juvenile GM>1< gangliosidosis. Identifiers: Orphanet 354, Orphanet 79256, MedGen C0268272, MONDO:0009261, OMIM 230600.

gnomAD v4.1: 1 of 1,613,946 alleles (0.000062%); highest among the groups gnomAD compares: African/African-American, 0.0013%; no homozygotes.

Submissions (2):

Fulgent Genetics
Classification: Likely pathogenic for Infantile GM1 gangliosidosis; GM1 gangliosidosis type 2; GM1 gangliosidosis type 3; Mucopolysaccharidosis, MPS-IV-B. Last evaluated: 2024-02-27. Review status: criteria provided, single submitter. Criteria: ACMG Guidelines, 2015. Collection method: clinical testing. Allele origin: germline.

Labcorp Genetics (formerly Invitae), Labcorp
Classification: Likely pathogenic for Mucopolysaccharidosis, MPS-IV-B; GM1 gangliosidosis. Last evaluated: 2023-04-05. Review status: criteria provided, single submitter. Criteria: Invitae Variant Classification Sherloc (09022015). Collection method: clinical testing. Allele origin: germline.
Comment: This variant is not present in population databases (gnomAD no frequency). This variant has not been reported in the literature in individuals affected with GLB1-related conditions. ClinVar contains an entry for this variant (Variation ID: 1943565). Algorithms developed to predict the effect of sequence changes on RNA splicing suggest that this variant may disrupt the consensus splice site. In summary, the currently available evidence indicates that the variant is pathogenic, but additional data are needed to prove that conclusively. Therefore, this variant has been classified as Likely Pathogenic. This sequence change affects a donor splice site in intron 13 of the GLB1 gene. It is expected to disrupt RNA splicing. Variants that disrupt the donor or acceptor splice site typically lead to a loss of protein function (PMID: 16199547), and loss-of-function variants in GLB1 are known to be pathogenic (PMID: 18524657).

Literature cited by the submitters: PubMed 16199547 (cited by Labcorp Genetics (formerly Invitae), Labcorp); PubMed 18524657 (cited by Labcorp Genetics (formerly Invitae), Labcorp).